The following is an entry in ClinVar:

ClinVar aggregate classification (germline): Uncertain significance (1 of 4 stars; one submission).

Submission:

Women's Health and Genetics/Laboratory Corporation of America, LabCorp
Classification: Uncertain significance. Last evaluated: 2023-11-20. Review status: criteria provided, single submitter. Criteria: LabCorp Variant Classification Summary - May 2015. Collection method: clinical testing. Allele origin: germline.
Comment: Variant summary: NIPBL c.5489C>T (p.Ala1830Val) results in a non-conservative amino acid change in the encoded protein sequence. Five of five in-silico tools predict a damaging effect of the variant on protein function. The variant was absent in 251016 control chromosomes (gnomAD). The available data on variant occurrences in the general population are insufficient to allow any conclusion about variant significance. c.5489C>T has been reported in the literature in an individual affected with Cornelia De Lange Syndrome 1 (Rohatgi_2010). These data do not allow any conclusion about variant significance. To our knowledge, no experimental evidence demonstrating an impact on protein function has been reported. The following publication has been ascertained in the context of this evaluation (PMID: 20583156). No submitters have cited clinical-significance assessments for this variant to ClinVar after 2014. Based on the evidence outlined above, the variant was classified as uncertain significance.

Literature cited by the submitters: PubMed 20583156.

NM_133433.4(NIPBL):c.5489C>T (p.Ala1830Val)

Gene: NIPBL (NIPBL cohesin loading factor; plus strand). Cytogenetic location: 5p13.2.
Variant type: single nucleotide variant.
Coding change: c.5489C>T on transcript NM_133433.4 (MANE Select); coding-DNA position 5489, C replaced by T.
Protein change: p.Ala1830Val; replaces alanine 1830 with valine.
Molecular consequence: missense variant.
Genome position (GRCh38, 1-based): chr5:37,022,305, C>T. VCF-style: chr5-37022305-C-T. GRCh37 (hg19) VCF-style: chr5-37022407-C-T.
Other names: c.5489C>T, p.Ala1830Val (NM_015384.5); short protein forms A1830V.
Identifiers: ClinVar variation 2682198 (VCV002682198.1), dbSNP rs2478340887, ClinGen allele CA359490464.